The following is an entry in ClinVar:

ClinVar aggregate classification (germline): Uncertain significance (1 of 4 stars; one submission).

gnomAD v4.1: 4 of 1,613,502 alleles (0.00025%); highest among the groups gnomAD compares: East Asian, 0.0022%; no homozygotes.

Submission:

Ambry Genetics
Classification: Uncertain significance. Last evaluated: 2025-09-26. Review status: criteria provided, single submitter. Criteria: Ambry Variant Classification Scheme 2023. Collection method: clinical testing. Allele origin: germline.
Comment: The c.1061G>A (p.R354Q) alteration is located in exon 6 (coding exon 6) of the PRPF38B gene. This alteration results from a G to A substitution at nucleotide position 1061, causing the arginine (R) at amino acid position 354 to be replaced by a glutamine (Q). Based on data from gnomAD, the A allele has an overall frequency of <0.001% (1/248276) total alleles studied. The highest observed frequency was 0.003% (1/34292) of Latino alleles. Based on insufficient or conflicting evidence, the clinical significance of this alteration remains unclear.

NM_018061.4(PRPF38B):c.1061G>A (p.Arg354Gln)

Gene: PRPF38B (pre-mRNA processing factor 38B; plus strand). Cytogenetic location: 1p13.3.
Variant type: single nucleotide variant.
Coding change: c.1061G>A on transcript NM_018061.4 (MANE Select); coding-DNA position 1061, G replaced by A.
Protein change: p.Arg354Gln; replaces arginine 354 with glutamine.
Molecular consequence: missense variant.
Genome position (GRCh38, 1-based): chr1:108,699,440, G>A. VCF-style: chr1-108699440-G-A. GRCh37 (hg19) VCF-style: chr1-109242062-G-A.
Other names: c.728G>A, p.Arg243Gln (NM_001349757.2); c.509G>A, p.Arg170Gln (NM_001349758.2, NM_001349759.2); c.626G>A, p.Arg209Gln (NM_001349761.2, NM_001349762.2); c.515G>A, p.Arg172Gln (NM_001349763.2, NM_001349764.2, NM_001349765.2); c.470G>A, p.Arg157Gln (NM_001349766.2, NM_001349767.2, NM_001349768.2 and 3 more transcripts); short protein forms R170Q, R172Q, R354Q, R209Q, R243Q, R157Q.
Identifiers: ClinVar variation 4572367 (VCV004572367.1).
Genomic context (GRCh38, chr1:108,699,440, plus strand): 5'-AAAGGCATAGAAGTCGCAGTCGAAGTCGTGATAGGAAAGGGGATAGAAGGGACAGGGATC[G>A]AGAAAGAGAGAAAGAAAATGAGAGAGGTAGAAGACGAGATCGTGACTATGATAAGGAAAG-3'
Protein context (NP_060531.2, residues 344-364): DRKGDRRDRD[Arg354Gln]EREKENERGR